The following is an entry in ClinVar:

ClinVar aggregate classification (germline): Uncertain significance (1 of 4 stars; one submission).

Submission:

Labcorp Genetics (formerly Invitae), Labcorp
Classification: Uncertain significance. Last evaluated: 2022-05-31. Review status: criteria provided, single submitter. Criteria: Invitae Variant Classification Sherloc (09022015). Collection method: clinical testing. Allele origin: germline.
Comment: This sequence change replaces isoleucine, which is neutral and non-polar, with threonine, which is neutral and polar, at codon 52 of the CCBE1 protein (p.Ile52Thr). This variant is not present in population databases (gnomAD no frequency). This variant has not been reported in the literature in individuals affected with CCBE1-related conditions. Algorithms developed to predict the effect of missense changes on protein structure and function are either unavailable or do not agree on the potential impact of this missense change (SIFT: "Deleterious"; PolyPhen-2: "Probably Damaging"; Align-GVGD: "Class C0"). In summary, the available evidence is currently insufficient to determine the role of this variant in disease. Therefore, it has been classified as a Variant of Uncertain Significance.

NM_133459.4(CCBE1):c.155T>C (p.Ile52Thr)

Gene: CCBE1 (collagen and calcium binding EGF domains 1; minus strand). Cytogenetic location: 18q21.32.
Variant type: single nucleotide variant.
Coding change: c.155T>C on transcript NM_133459.4 (MANE Select); coding-DNA position 155, T replaced by C.
Protein change: p.Ile52Thr; replaces isoleucine 52 with threonine.
Molecular consequence: missense variant.
Genome position (GRCh38, 1-based): chr18:59,696,686, A>G on the plus strand (T>C on the coding strand, the complement: CCBE1 is on the minus strand). VCF-style: chr18-59696686-A-G. GRCh37 (hg19) VCF-style: chr18-57363918-A-G.
Other names: short protein forms I52T.
Identifiers: ClinVar variation 1973805 (VCV001973805.5), dbSNP rs2511611677, ClinGen allele CA402717299.